The following is an entry in ClinVar:

NM_000465.4(BARD1):c.1594G>C (p.Asp532His)

Gene: BARD1 (BRCA1 associated RING domain 1; minus strand). Cytogenetic location: 2q35.
Variant type: single nucleotide variant.
Coding change: c.1594G>C on transcript NM_000465.4 (MANE Select); coding-DNA position 1594, G replaced by C.
Protein change: p.Asp532His; replaces aspartic acid 532 with histidine.
Molecular consequence: missense variant. On other transcripts: non-coding transcript variant (3), intron variant (1).
Genome position (GRCh38, 1-based): chr2:214,752,530, C>G on the plus strand (G>C on the coding strand, the complement: BARD1 is on the minus strand). VCF-style: chr2-214752530-C-G. GRCh37 (hg19) VCF-style: chr2-215617254-C-G.
Other names: c.1537G>C, p.Asp513His (NM_001282543.2); c.241G>C, p.Asp81His (NM_001282545.2); c.184G>C, p.Asp62His (NM_001282548.2); c.365-22022G>C (NM_001282549.2); short protein forms D513H, D62H, D81H, D532H.
Identifiers: ClinVar variation 2134965 (VCV002134965.4), dbSNP rs757281184, ClinGen allele CA350454974.

ClinVar aggregate classification (germline): Uncertain significance (1 of 4 stars; one submission).

Conditions:
Familial cancer of breast. Also called: Hereditary breast cancer; BREAST CANCER, FAMILIAL; hereditary breast carcinoma. Identifiers: Orphanet 227535, MedGen C0346153, MONDO:0016419, OMIM 114480. Disease mechanism: loss of function.

Submission:

Labcorp Genetics (formerly Invitae), Labcorp
Classification: Uncertain significance for Familial cancer of breast. Last evaluated: 2025-09-09. Review status: criteria provided, single submitter. Criteria: Invitae Variant Classification Sherloc (09022015). Collection method: clinical testing. Allele origin: germline.
Comment: This sequence change replaces aspartic acid, which is acidic and polar, with histidine, which is basic and polar, at codon 532 of the BARD1 protein (p.Asp532His). This variant is not present in population databases (gnomAD no frequency). This variant has not been reported in the literature in individuals affected with BARD1-related conditions. ClinVar contains an entry for this variant (Variation ID: 2134965). An algorithm developed to predict the effect of missense changes on protein structure and function (PolyPhen-2) suggests that this variant is likely to be disruptive. Algorithms developed to predict the effect of sequence changes on RNA splicing suggest that this variant may create or strengthen a splice site. In summary, the available evidence is currently insufficient to determine the role of this variant in disease. Therefore, it has been classified as a Variant of Uncertain Significance.